The following is an entry in ClinVar:

ClinVar aggregate classification (germline): Conflicting classifications of pathogenicity. Review status: criteria provided, conflicting classifications (1 of 4 stars). 3 submissions from 3 submitters: Likely pathogenic (1); Uncertain significance (2). Last evaluated 2024-11-26.

Conditions:
Inborn genetic diseases. Identifiers: MedGen C0950123, MeSH D030342.
Glycogen storage disease, type V (GSD5). Also called: McArdle type glycogen storage disease; MCARDLE DISEASE; MUSCLE GLYCOGEN PHOSPHORYLASE DEFICIENCY; MYOPHOSPHORYLASE DEFICIENCY; PYGM DEFICIENCY. Identifiers: Orphanet 368, MedGen C0017924, MONDO:0009293, OMIM 232600.
Rhabdomyolysis. Also called: Rhabdomyolysis (disease). Identifiers: MedGen C0035410, HP:0003201, MONDO:0005290.

Allele frequency attached by ClinVar (database versions not stated): gnomAD exomes 0.00001; ESP Exome Variant Server 0.00008.
gnomAD v4.1: 3 of 1,614,214 alleles (0.00019%); highest among the groups gnomAD compares: Non-Finnish European, 0.00025%; no homozygotes.

Submissions (3):

Ambry Genetics
Classification: Uncertain significance for Inborn genetic diseases. Last evaluated: 2024-11-26. Review status: criteria provided, single submitter. Criteria: Ambry Variant Classification Scheme 2023. Collection method: clinical testing. Allele origin: germline.

Labcorp Genetics (formerly Invitae), Labcorp
Classification: Uncertain significance for Glycogen storage disease, type V. Last evaluated: 2024-10-21. Review status: criteria provided, single submitter. Criteria: Invitae Variant Classification Sherloc (09022015). Collection method: clinical testing. Allele origin: germline.
Comment: This sequence change replaces leucine, which is neutral and non-polar, with proline, which is neutral and non-polar, at codon 739 of the PYGM protein (p.Leu739Pro). This variant is not present in population databases (gnomAD no frequency). This variant has not been reported in the literature in individuals affected with PYGM-related conditions. ClinVar contains an entry for this variant (Variation ID: 1983846). Invitae Evidence Modeling of protein sequence and biophysical properties (such as structural, functional, and spatial information, amino acid conservation, physicochemical variation, residue mobility, and thermodynamic stability) indicates that this missense variant is expected to disrupt PYGM protein function with a positive predictive value of 95%. In summary, the available evidence is currently insufficient to determine the role of this variant in disease. Therefore, it has been classified as a Variant of Uncertain Significance.

Concord Molecular Medicine Laboratory, Concord Repatriation General Hospital
Classification: Likely pathogenic for Rhabdomyolysis. Last evaluated: 2023-05-03. Review status: criteria provided, single submitter. Criteria: ACMG Guidelines, 2015. Collection method: clinical testing. Allele origin: unknown. Inheritance: Autosomal recessive inheritance. Affected: yes. Observed: 1 compound heterozygote.
Comment: The c. This variant predicts an amino acid change from leucine to proline in position 739 in the PYGM protein, p.(Leu739Pro). The variant is located in the glycosyl transferase family 35 domain (IPR000811). It is absent from control population database (gnomAD), but found in very low frequency in the GO-ESP database. In silico analysis suggests the variant to be damaging (REVEL: 0.956). The current evidence allows a classification of this variant as likely pathogenic (ACMG criteria: PP3_strong, PM1, PM2_supporting).

NM_005609.4(PYGM):c.2216T>C (p.Leu739Pro)

Gene: PYGM (glycogen phosphorylase, muscle associated; minus strand). Cytogenetic location: 11q13.1.
Variant type: single nucleotide variant.
Coding change: c.2216T>C on transcript NM_005609.4 (MANE Select); coding-DNA position 2216, T replaced by C.
Protein change: p.Leu739Pro; replaces leucine 739 with proline.
Molecular consequence: missense variant.
Genome position (GRCh38, 1-based): chr11:64,747,320, A>G on the plus strand (T>C on the coding strand, the complement: PYGM is on the minus strand). VCF-style: chr11-64747320-A-G. GRCh37 (hg19) VCF-style: chr11-64514792-A-G.
Other names: c.2216T>C (NM_005609.3, NM_005609.2); c.1952T>C, p.Leu651Pro (NM_001164716.1); short protein forms L739P, L651P.
Identifiers: ClinVar variation 1983846 (VCV001983846.6), dbSNP rs370144967, ClinGen allele CA223894962.